The following is an entry in ClinVar:

ClinVar aggregate classification (germline): Pathogenic (1 of 4 stars; one submission).

Allele frequency attached by ClinVar (database versions not stated): gnomAD exomes below 0.00001.
gnomAD v4.1: 2 of 1,614,172 alleles (0.00012%); highest among the groups gnomAD compares: Non-Finnish European, 0.000085%; no homozygotes.

Submission:

Labcorp Genetics (formerly Invitae), Labcorp
Classification: Pathogenic. Last evaluated: 2024-06-22. Review status: criteria provided, single submitter. Criteria: Invitae Variant Classification Sherloc (09022015). Collection method: clinical testing. Allele origin: germline.
Comment: This sequence change creates a premature translational stop signal (p.Gln674*) in the TET2 gene. It is expected to result in an absent or disrupted protein product. Loss-of-function variants in TET2 are known to be pathogenic (PMID: 36066697). This variant is present in population databases (no rsID available, gnomAD 0.004%). This variant has not been reported in the literature in individuals affected with TET2-related conditions. For these reasons, this variant has been classified as Pathogenic.

Literature cited by the submitters: PubMed 36066697.

NM_001127208.3(TET2):c.2020C>T (p.Gln674Ter)

Genes: TET2 (tet methylcytosine dioxygenase 2; plus strand), TET2-AS1 (TET2 antisense RNA 1; minus strand). Cytogenetic location: 4q24.
Variant type: single nucleotide variant.
Coding change: c.2020C>T on transcript NM_001127208.3 (MANE Select); coding-DNA position 2020, C replaced by T.
Protein change: p.Gln674Ter; replaces glutamine 674 with a stop codon.
Molecular consequence: nonsense.
Genome position (GRCh38, 1-based): chr4:105,235,962, C>T. VCF-style: chr4-105235962-C-T. GRCh37 (hg19) VCF-style: chr4-106157119-C-T.
Other names: c.2020C>T, p.Gln674Ter (NM_017628.4); short protein forms Q674*.
Identifiers: ClinVar variation 2837951 (VCV002837951.3), dbSNP rs1352624446, ClinGen allele CA357797315.